The following is an entry in ClinVar:

NM_000937.5(POLR2A):c.457A>G (p.Ile153Val)

Gene: POLR2A (RNA polymerase II subunit A; plus strand). Cytogenetic location: 17p13.1.
Variant type: single nucleotide variant.
Coding change: c.457A>G on transcript NM_000937.5 (MANE Select); coding-DNA position 457, A replaced by G.
Protein change: p.Ile153Val; replaces isoleucine 153 with valine.
Molecular consequence: missense variant.
Genome position (GRCh38, 1-based): chr17:7,496,533, A>G. VCF-style: chr17-7496533-A-G. GRCh37 (hg19) VCF-style: chr17-7399852-A-G.
Other names: short protein forms I153V.
Identifiers: ClinVar variation 4628170 (VCV004628170.1).

ClinVar aggregate classification (germline): Uncertain significance (1 of 4 stars; one submission).

Conditions:
Inborn genetic diseases. Identifiers: MedGen C0950123, MeSH D030342.

Submission:

Ambry Genetics
Classification: Uncertain significance for Inborn genetic diseases. Last evaluated: 2025-10-22. Review status: criteria provided, single submitter. Criteria: Ambry Variant Classification Scheme 2023. Collection method: clinical testing. Allele origin: germline.
Comment: The c.457A>G (p.I153V) alteration is located in exon 4 (coding exon 4) of the POLR2A gene. This alteration results from a A to G substitution at nucleotide position 457, causing the isoleucine (I) at amino acid position 153 to be replaced by a valine (V). Based on data from gnomAD, the G allele has an overall frequency of 0.001% (2/251488) total alleles studied. The highest observed frequency was 0.002% (2/113762) of European (non-Finnish) alleles. Based on insufficient or conflicting evidence, the clinical significance of this alteration remains unclear.